The following is an entry in ClinVar:

ClinVar aggregate classification (germline): Likely pathogenic (1 of 4 stars; one submission).

Submission:

GeneDx
Classification: Likely pathogenic. Last evaluated: 2025-03-26. Review status: criteria provided, single submitter. Criteria: GeneDx Variant Classification Process June 2021. Collection method: clinical testing. Allele origin: germline. Affected: yes.
Comment: Frameshift variant predicted to result in protein truncation or nonsense mediated decay in a gene for which loss of function is a known mechanism of disease; Not observed at significant frequency in large population cohorts (gnomAD); Has not been previously published as pathogenic or benign to our knowledge; Located in the A-band, a region of TTN for which truncating variants are significantly associated with autosomal dominant cardiomyopathy and also with autosomal recessive skeletal myopathies (PMID: 22335739, 32778822); This variant is associated with the following publications: (PMID: 22335739, 32778822)

NM_001267550.2(TTN):c.92341_92343delinsT (p.Lys30781fs)

Genes: TTN (titin; minus strand), TTN-AS1 (TTN antisense RNA 1; plus strand). Cytogenetic location: 2q31.2.
Variant type: Indel.
Coding change: c.92341_92343delinsT on transcript NM_001267550.2 (MANE Select); coding-DNA positions 92341 to 92343, AAA replaced by T.
Protein change: p.Lys30781fs; shifts the reading frame from lysine 30781.
Molecular consequence: frameshift variant.
Genome position (GRCh38, 1-based): chr2:178,549,283-178,549,285, TTT replaced by A on the plus strand (AAA replaced by T on the coding strand, the reverse complement: TTN is on the minus strand). VCF-style: chr2-178549283-TTT-A. GRCh37 (hg19) VCF-style: chr2-179414010-TTT-A.
Other names: c.87418_87420delinsT, p.Lys29140fs (NM_001256850.1); c.92341_92343delAAAinsT, p.Lys30781Cysfs (NM_001267550.1); c.65146_65148delinsT, p.Lys21716fs (NM_003319.4); c.84637_84639delinsT, p.Lys28213fs (NM_133378.4); c.65521_65523delinsT, p.Lys21841fs (NM_133432.3); c.65722_65724delinsT, p.Lys21908fs (NM_133437.4); short protein forms K21841fs, K30781fs, K21716fs, K28213fs, K29140fs, K21908fs.
Identifiers: ClinVar variation 4087969 (VCV004087969.1).